The following is an entry in ClinVar:

NM_000257.4(MYH7):c.346-15_346-10del

Gene: MYH7 (myosin heavy chain 7; minus strand). Cytogenetic location: 14q11.2.
Variant type: Deletion.
Coding change: c.346-15_346-10del on transcript NM_000257.4 (MANE Select); 15 bases into the intron before coding-DNA position 346 through 10 bases into the intron before coding-DNA position 346, 6 bases deleted (CTTTTC; older notation c.346-15_346-10delCTTTTC).
Molecular consequence: intron variant.
Genome position (GRCh38, 1-based): chr14:23,432,805-23,432,810, GAAAAG deleted on the plus strand (CTTTTC on the coding strand, the reverse complement: MYH7 is on the minus strand); deleting any 6 consecutive bases within chr14:23,432,805-23,432,812 gives the same sequence; the c. name uses the placement nearest the transcript's 3' end. VCF-style (leftmost placement, unchanged base first): chr14-23432804-AGAAAAG-A. GRCh37 (hg19) VCF-style: chr14-23902013-AGAAAAG-A.
Identifiers: ClinVar variation 926942 (VCV000926942.3), dbSNP rs1893003165, ClinGen allele CA1139663382.

ClinVar aggregate classification (germline): Uncertain significance (1 of 4 stars; one submission).

Conditions:
Cardiomyopathy (CMYO). Also called: Cardiomyopathies. Identifiers: Orphanet 167848, MedGen C0878544, MONDO:0004994, HP:0001638. Inheritance: Various modes of inheritance.

Submission:

Color Diagnostics, LLC DBA Color Health
Classification: Uncertain significance for Cardiomyopathy. Last evaluated: 2019-11-11. Review status: criteria provided, single submitter. Criteria: ACMG Guidelines, 2015. Collection method: clinical testing. Allele origin: germline.
Comment: This variant causes in a deletion of six nucleotides in intron 4 of the MYH7 gene. Splice site prediction tools and conservation analyses are inconclusive regarding the impact of this variant on RNA splicing. To our knowledge, functional studies have not been performed for this variant. This variant has not been reported in individuals affected with cardiovascular disorders in the literature. This variant has not been identified in the general population by the Genome Aggregation Database (gnomAD). The available evidence is insufficient to determine the role of this variant in disease conclusively. Therefore, this variant is classified as a Variant of Uncertain Significance.